The following is an entry in ClinVar:

NM_000419.5(ITGA2B):c.1848G>A (p.Val616=)

Gene: ITGA2B (integrin subunit alpha 2b; minus strand). Cytogenetic location: 17q21.31.
Variant type: single nucleotide variant.
Coding change: c.1848G>A on transcript NM_000419.5 (MANE Select); coding-DNA position 1848, G replaced by A.
Protein change: p.Val616=; no amino-acid change (valine 616 retained).
Molecular consequence: synonymous variant.
Genome position (GRCh38, 1-based): chr17:44,379,719, C>T on the plus strand (G>A on the coding strand, the complement: ITGA2B is on the minus strand). VCF-style: chr17-44379719-C-T. GRCh37 (hg19) VCF-style: chr17-42457087-C-T.
Other names: c.1848G>A (LRG_479t1, NM_000419.4).
Identifiers: ClinVar variation 323550 (VCV000323550.23), dbSNP rs79289329, ClinGen allele CA8602928.

ClinVar aggregate classification (germline): Benign. Review status: reviewed by expert panel (3 of 4 stars). 8 submissions from 8 submitters: Benign (1). 7 of the submissions do not count toward it. Last evaluated 2021-05-07.

Conditions:
Glanzmann thrombasthenia. Also called: THROMBASTHENIA OF GLANZMANN AND NAEGELI; Glanzmann's thrombasthenia; PLATELET GLYCOPROTEIN IIb-IIIa DEFICIENCY; Thrombasthenia. Identifiers: Orphanet 849, MedGen C0040015, MONDO:0100326.
ITGA2B-related disorder. Also called: ITGA2B-related disorders; ITGA2B-related condition.

Allele frequency attached by ClinVar (database versions not stated): gnomAD exomes 0.00055 and 0.00155; ExAC 0.00179; 1000 Genomes Project 0.00519; 1000 Genomes Project 30x 0.00531; gnomAD 0.00537 and 0.00571; ESP Exome Variant Server 0.00538; TOPMed 0.00661.
gnomAD v4.1: 1,676 of 1,613,958 alleles (0.1%); highest among the groups gnomAD compares: African/African-American, 1.8%; 14 homozygotes.

Submissions (8):

ClinGen Platelet Disorders Variant Curation Expert Panel, ClinGen
Classification: Benign for Glanzmann thrombasthenia. Last evaluated: 2021-05-07. Review status: reviewed by expert panel. Criteria: ClinGen Platelet ACMG Specifications v2. Collection method: curation. Allele origin: germline. Inheritance: Autosomal recessive inheritance.
Comment: The c.1848G>A (p.Val616=) synonymous variant has not been reported in the literature to our knowledge. It is present in the gnomAD African population at an allele frequency of 0.01899. No splice impact is predicted and the variant is not highly conserved. In summary, this variant meets criteria to be classified as benign for GT. GT-specific criteria applied: BA1, BP4, and BP7.

Labcorp Genetics (formerly Invitae), Labcorp
Classification: Benign for Glanzmann thrombasthenia. Last evaluated: 2026-01-20. Review status: criteria provided, single submitter. Criteria: Invitae Variant Classification Sherloc (09022015). Collection method: clinical testing. Allele origin: germline. Not counted in ClinVar's aggregate classification.

Blueprint Genetics
Classification: Likely benign. Last evaluated: 2024-10-22. Review status: criteria provided, single submitter. Criteria: ACMG Guidelines, 2015. Collection method: clinical testing. Allele origin: germline. Not counted in ClinVar's aggregate classification.

Mayo Clinic Laboratories, Mayo Clinic
Classification: Benign. Last evaluated: 2023-10-26. Review status: criteria provided, single submitter. Criteria: ACMG Guidelines, 2015. Collection method: clinical testing. Allele origin: germline. Observed: 3 variant alleles. Not counted in ClinVar's aggregate classification.
Comment: BS1, BP4, BP6, BP7

Genetic Services Laboratory, University of Chicago
Classification: Benign. Last evaluated: 2019-03-26. Review status: criteria provided, single submitter. Criteria: ACMG Guidelines, 2015. Collection method: clinical testing. Allele origin: germline. Affected: no. Not counted in ClinVar's aggregate classification.

Illumina Laboratory Services, Illumina
Classification: Benign for Glanzmann thrombasthenia 1. Last evaluated: 2018-01-12. Review status: criteria provided, single submitter. Criteria: ICSL Variant Classification Criteria 13 December 2019. Collection method: clinical testing. Allele origin: germline. Not counted in ClinVar's aggregate classification.
Comment: This variant was observed in the ICSL laboratory as part of a predisposition screen in an ostensibly healthy population. It had not been previously curated by ICSL or reported in the Human Gene Mutation Database (HGMD: prior to June 1st, 2018), and was therefore a candidate for classification through an automated scoring system. Utilizing variant allele frequency, disease prevalence and penetrance estimates, and inheritance mode, an automated score was calculated to assess if this variant is too frequent to cause the disease. Based on the score and internal cut-off values, a variant classified as benign is not then subjected to further curation. The score for this variant resulted in a classification of benign for this disease.

Breakthrough Genomics
Classification: Benign. Review status: criteria provided, single submitter. Criteria: ACMG Guidelines, 2015. Collection method: not provided. Allele origin: germline. Inheritance: Autosomal recessive inheritance. Affected: yes. Not counted in ClinVar's aggregate classification.

PreventionGenetics, part of Exact Sciences
Classification: Benign for ITGA2B-related condition. Last evaluated: 2019-03-01. Review status: no assertion criteria provided. Collection method: clinical testing. Allele origin: germline. Not counted in ClinVar's aggregate classification.
Comment: This variant is classified as benign based on ACMG/AMP sequence variant interpretation guidelines (Richards et al. 2015 PMID: 25741868, with internal and published modifications).

Literature cited by the submitters: PubMed 33496739 (cited by Mayo Clinic Laboratories, Mayo Clinic).